The following is an entry in ClinVar:

ClinVar aggregate classification (germline): Uncertain significance. Review status: criteria provided, multiple submitters, no conflicts (2 of 4 stars). 5 submissions from 5 submitters: Uncertain significance (5). Last evaluated 2025-02-25.

Conditions:
Classic or attenuated familial adenomatous polyposis. Identifiers: MedGen CN372698, MONDO:0021057.
Hereditary cancer-predisposing syndrome. Also called: Tumor predisposition; Neoplastic Syndromes, Hereditary; Hereditary Cancer Syndrome; Hereditary neoplastic syndrome. Identifiers: Orphanet 140162, MedGen C0027672, MeSH D009386, MONDO:0015356.
Familial adenomatous polyposis 1 (FAP1). Also called: POLYPOSIS, ADENOMATOUS INTESTINAL; FAMILIAL ADENOMATOUS POLYPOSIS 1, ATTENUATED. Identifiers: MedGen C2713442, MONDO:0021056, OMIM 175100. Disease mechanism: loss of function.

Allele frequency attached by ClinVar (database versions not stated): gnomAD 0.00001; TOPMed 0.00001.
gnomAD v4.1: 2 of 1,613,696 alleles (0.00012%); highest among the groups gnomAD compares: Admixed American, 0.0033%; no homozygotes.

Submissions (5):

Ambry Genetics
Classification: Uncertain significance for Hereditary cancer-predisposing syndrome. Last evaluated: 2025-02-25. Review status: criteria provided, single submitter. Criteria: Ambry Variant Classification Scheme 2023. Collection method: clinical testing. Allele origin: germline.
Comment: The p.D2037N variant (also known as c.6109G>A), located in coding exon 15 of the APC gene, results from a G to A substitution at nucleotide position 6109. The aspartic acid at codon 2037 is replaced by asparagine, an amino acid with highly similar properties. Missense alterations in APC are not a common cause of disease (Spier I et al. Genet Med. 2024 Feb;26(2):100992). This amino acid position is highly conserved in available vertebrate species. In addition, in silico predictors for this gene do not accurately predict pathogenicity. Based on the available evidence, the clinical significance of this variant remains unclear.

Labcorp Genetics (formerly Invitae), Labcorp
Classification: Uncertain significance for Familial adenomatous polyposis 1. Last evaluated: 2024-12-26. Review status: criteria provided, single submitter. Criteria: Invitae Variant Classification Sherloc (09022015). Collection method: clinical testing. Allele origin: germline.
Comment: This sequence change replaces aspartic acid, which is acidic and polar, with asparagine, which is neutral and polar, at codon 2037 of the APC protein (p.Asp2037Asn). This variant is not present in population databases (gnomAD no frequency). This variant has not been reported in the literature in individuals affected with APC-related conditions. ClinVar contains an entry for this variant (Variation ID: 219927). Invitae Evidence Modeling of protein sequence and biophysical properties (such as structural, functional, and spatial information, amino acid conservation, physicochemical variation, residue mobility, and thermodynamic stability) indicates that this missense variant is not expected to disrupt APC protein function with a negative predictive value of 95%. In summary, the available evidence is currently insufficient to determine the role of this variant in disease. Therefore, it has been classified as a Variant of Uncertain Significance.

All of Us Research Program, National Institutes of Health
Classification: Uncertain significance for Classic or attenuated familial adenomatous polyposis. Last evaluated: 2024-09-23. Review status: criteria provided, single submitter. Criteria: ACMG Guidelines, 2015. Collection method: clinical testing. Allele origin: germline. Inheritance: Autosomal dominant inheritance. Observed: 1 variant allele, 1 heterozygote.
Comment: This study involves interpretation of variants in research participants for the purpose of population health screening. Participant phenotype was not available at the time of variant classification. Additional details can be found in publication PMID: 35346344, PMCID: PMC8962531

Baylor Genetics
Classification: Uncertain significance for Familial adenomatous polyposis 1. Last evaluated: 2024-02-02. Review status: criteria provided, single submitter. Criteria: ACMG Guidelines, 2015. Collection method: clinical testing. Allele origin: unknown.

Blueprint Genetics
Classification: Uncertain significance. Last evaluated: 2022-11-28. Review status: criteria provided, single submitter. Criteria: ACMG Guidelines, 2015. Collection method: clinical testing. Allele origin: germline.

NM_000038.6(APC):c.6109G>A (p.Asp2037Asn)

Gene: APC (APC regulator of Wnt signaling pathway; plus strand). Cytogenetic location: 5q22.2.
Variant type: single nucleotide variant.
Coding change: c.6109G>A on transcript NM_000038.6 (MANE Select); coding-DNA position 6109, G replaced by A.
Protein change: p.Asp2037Asn; replaces aspartic acid 2037 with asparagine.
Molecular consequence: missense variant.
Genome position (GRCh38, 1-based): chr5:112,841,703, G>A. VCF-style: chr5-112841703-G-A. GRCh37 (hg19) VCF-style: chr5-112177400-G-A.
Other names: c.6109G>A, p.Asp2037Asn (NM_001127510.3, NM_001354895.2); c.6055G>A, p.Asp2019Asn (NM_001127511.3); c.6163G>A, p.Asp2055Asn (NM_001354896.2); c.6139G>A, p.Asp2047Asn (NM_001354897.2); c.6034G>A, p.Asp2012Asn (NM_001354898.2); c.6025G>A, p.Asp2009Asn (NM_001354899.2); c.5986G>A, p.Asp1996Asn (NM_001354900.2); c.5932G>A, p.Asp1978Asn (NM_001354901.2); and 5 more; short protein forms D2019N, D2037N, D1754N, D1978N, D1996N, D2012N, D1936N, D1877N.
Identifiers: ClinVar variation 219927 (VCV000219927.16), dbSNP rs864622311, ClinGen allele CA348101.